The following is an entry in ClinVar:

ClinVar aggregate classification (germline): Uncertain significance. Review status: criteria provided, multiple submitters, no conflicts (2 of 4 stars). 3 submissions from 3 submitters: Uncertain significance (2). 1 of the submissions does not count toward it. Last evaluated 2025-07-24.

Conditions:
ACOX2-related disorder. Also called: ACOX2-related condition.

Allele frequency attached by ClinVar (database versions not stated): gnomAD 0.00021; TOPMed 0.00021; gnomAD exomes 0.00023; ExAC 0.00027; ESP Exome Variant Server 0.00054.
gnomAD v4.1: 428 of 1,613,384 alleles (0.027%); highest among the groups gnomAD compares: Middle Eastern, 0.05%; no homozygotes.

Submissions (3):

Labcorp Genetics (formerly Invitae), Labcorp
Classification: Uncertain significance. Last evaluated: 2025-07-24. Review status: criteria provided, single submitter. Criteria: Invitae Variant Classification Sherloc (09022015). Collection method: clinical testing. Allele origin: germline.
Comment: This sequence change replaces arginine, which is basic and polar, with tryptophan, which is neutral and slightly polar, at codon 197 of the ACOX2 protein (p.Arg197Trp). This variant is present in population databases (rs144327887, gnomAD 0.05%). This variant has not been reported in the literature in individuals affected with ACOX2-related conditions. ClinVar contains an entry for this variant (Variation ID: 1415511). Invitae Evidence Modeling of protein sequence and biophysical properties (such as structural, functional, and spatial information, amino acid conservation, physicochemical variation, residue mobility, and thermodynamic stability) indicates that this missense variant is expected to disrupt ACOX2 protein function with a positive predictive value of 80%. In summary, the available evidence is currently insufficient to determine the role of this variant in disease. Therefore, it has been classified as a Variant of Uncertain Significance.

Ambry Genetics
Classification: Uncertain significance. Last evaluated: 2021-08-16. Review status: criteria provided, single submitter. Criteria: Ambry Variant Classification Scheme 2023. Collection method: clinical testing. Allele origin: germline.

PreventionGenetics, part of Exact Sciences
Classification: Uncertain significance for ACOX2-related condition. Last evaluated: 2024-06-11. Review status: no assertion criteria provided. Collection method: clinical testing. Allele origin: germline. Not counted in ClinVar's aggregate classification.
Comment: The ACOX2 c.589C>T variant is predicted to result in the amino acid substitution p.Arg197Trp. To our knowledge, this variant has not been reported in the literature. This variant is reported in 0.042% of alleles in individuals of European (Non-Finnish) descent in gnomAD. At this time, the clinical significance of this variant is uncertain due to the absence of conclusive functional and genetic evidence.

NM_003500.4(ACOX2):c.589C>T (p.Arg197Trp)

Gene: ACOX2 (acyl-CoA oxidase 2; minus strand). Cytogenetic location: 3p14.3.
Variant type: single nucleotide variant.
Coding change: c.589C>T on transcript NM_003500.4 (MANE Select); coding-DNA position 589, C replaced by T.
Protein change: p.Arg197Trp; replaces arginine 197 with tryptophan.
Molecular consequence: missense variant.
Genome position (GRCh38, 1-based): chr3:58,531,807, G>A on the plus strand (C>T on the coding strand, the complement: ACOX2 is on the minus strand). VCF-style: chr3-58531807-G-A. GRCh37 (hg19) VCF-style: chr3-58517534-G-A.
Other names: c.589C>T (NM_003500.3); short protein forms R197W.
Identifiers: ClinVar variation 1415511 (VCV001415511.8), dbSNP rs144327887, ClinGen allele CA2472341.